The following is an entry in ClinVar:

ClinVar aggregate classification (germline): Uncertain significance (1 of 4 stars; one submission).

Conditions:
Bloom syndrome (BLM). Also called: Bloom-Torre-Machacek syndrome. Identifiers: Orphanet 125, MedGen C0005859, MONDO:0008876, OMIM 210900.

Submission:

Labcorp Genetics (formerly Invitae), Labcorp
Classification: Uncertain significance for Bloom syndrome. Last evaluated: 2023-08-23. Review status: criteria provided, single submitter. Criteria: Invitae Variant Classification Sherloc (09022015). Collection method: clinical testing. Allele origin: germline.
Comment: In summary, the available evidence is currently insufficient to determine the role of this variant in disease. Therefore, it has been classified as a Variant of Uncertain Significance. Variants that disrupt the consensus splice site are a relatively common cause of aberrant splicing (PMID: 17576681, 9536098). Algorithms developed to predict the effect of sequence changes on RNA splicing suggest that this variant may disrupt the consensus splice site. This variant has not been reported in the literature in individuals affected with BLM-related conditions. This variant is not present in population databases (gnomAD no frequency). This sequence change affects codon 769 of the BLM mRNA. It is a 'silent' change, meaning that it does not change the encoded amino acid sequence of the BLM protein. This variant also falls at the last nucleotide of exon 10, which is part of the consensus splice site for this exon.

Literature cited by the submitters: PubMed 17576681; PubMed 9536098.

NM_000057.4(BLM):c.2307G>A (p.Lys769=)

Gene: BLM (BLM RecQ like helicase; plus strand). Cytogenetic location: 15q26.1.
Variant type: single nucleotide variant.
Coding change: c.2307G>A on transcript NM_000057.4 (MANE Select); coding-DNA position 2307, G replaced by A.
Protein change: p.Lys769=; no amino-acid change (lysine 769 retained).
Molecular consequence: synonymous variant.
Genome position (GRCh38, 1-based): chr15:90,767,023, G>A. VCF-style: chr15-90767023-G-A. GRCh37 (hg19) VCF-style: chr15-91310253-G-A.
Other names: c.2307G>A, p.Lys769= (NM_001287246.2, NM_001287247.2); c.1182G>A, p.Lys394= (NM_001287248.2).
Identifiers: ClinVar variation 2712350 (VCV002712350.3), dbSNP rs754007141, ClinGen allele CA492159996.